The following is an entry in ClinVar:

NM_001382.4(DPAGT1):c.270C>T (p.Phe90=)

Genes: DPAGT1 (dolichyl-phosphate N-acetylglucosaminephosphotransferase 1; minus strand), LOC126861360 (BRD4-independent group 4 enhancer GRCh37_chr11:118972216-118973415; plus strand). Cytogenetic location: 11q23.3.
Variant type: single nucleotide variant.
Coding change: c.270C>T on transcript NM_001382.4 (MANE Select); coding-DNA position 270, C replaced by T.
Protein change: p.Phe90=; no amino-acid change (phenylalanine 90 retained).
Molecular consequence: synonymous variant.
Genome position (GRCh38, 1-based): chr11:119,101,030, G>A on the plus strand (C>T on the coding strand, the complement: DPAGT1 is on the minus strand). VCF-style: chr11-119101030-G-A. GRCh37 (hg19) VCF-style: chr11-118971740-G-A.
Identifiers: ClinVar variation 1102674 (VCV001102674.33), dbSNP rs780625734, ClinGen allele CA6314681.

ClinVar aggregate classification (germline): Likely benign. Review status: criteria provided, multiple submitters, no conflicts (2 of 4 stars). 3 submissions from 3 submitters: Likely benign (3). Last evaluated 2024-12-12.

Conditions:
DPAGT1-congenital disorder of glycosylation. Also called: CONGENITAL DISORDER OF GLYCOSYLATION, TYPE Ij; CDG Ij; DPAGT1-CDG. Identifiers: Orphanet 86309, MedGen C2931004, MONDO:0011964, OMIM 608093.
Congenital myasthenic syndrome 13 (CMS13). Also called: Myasthenic syndrome, congenital, 13, with tubular aggregates; Myasthenic syndrome, congenital, with tubular aggregates 2. Identifiers: Orphanet 353327, Orphanet 590, MedGen C3553645, MONDO:0013883, OMIM 614750.

Allele frequency attached by ClinVar (database versions not stated): ExAC 0.00001; gnomAD 0.00002; gnomAD exomes 0.00002 and 0.00007; TOPMed 0.00002.
gnomAD v4.1: 100 of 1,614,070 alleles (0.0062%); highest among the groups gnomAD compares: Non-Finnish European, 0.0085%; no homozygotes.

Submissions (3):

Labcorp Genetics (formerly Invitae), Labcorp
Classification: Likely benign for Congenital myasthenic syndrome 13; DPAGT1-congenital disorder of glycosylation. Last evaluated: 2024-12-12. Review status: criteria provided, single submitter. Criteria: Invitae Variant Classification Sherloc (09022015). Collection method: clinical testing. Allele origin: germline.

Blueprint Genetics
Classification: Likely benign. Last evaluated: 2024-03-28. Review status: criteria provided, single submitter. Criteria: ACMG Guidelines, 2015. Collection method: clinical testing. Allele origin: germline.

CeGaT Center for Human Genetics Tuebingen
Classification: Likely benign. Last evaluated: 2023-11-01. Review status: criteria provided, single submitter. Criteria: CeGaT Center For Human Genetics Tuebingen Variant Classification Criteria Version 2. Collection method: clinical testing. Allele origin: germline. Affected: yes. Observed: 1 variant allele.
Comment: DPAGT1: BP4, BP7